The following is an entry in ClinVar:

ClinVar aggregate classification (germline): Likely benign. Review status: criteria provided, multiple submitters, no conflicts (2 of 4 stars). 3 submissions from 3 submitters: Likely benign (2). 1 of the submissions does not count toward it. Last evaluated 2025-02-19.

Conditions:
NKX2-1-Related Disorders. Also called: NKX2-1-related disorder. Identifiers: MedGen CN381057.

Submissions (3):

Labcorp Genetics (formerly Invitae), Labcorp
Classification: Likely benign. Last evaluated: 2025-02-19. Review status: criteria provided, single submitter. Criteria: Invitae Variant Classification Sherloc (09022015). Collection method: clinical testing. Allele origin: germline.

Laboratory of Genetics, Children's Clinical University Hospital Latvia
Classification: Likely benign. Last evaluated: 2025-02-16. Review status: criteria provided, single submitter. Criteria: ACMG Guidelines, 2015. Collection method: clinical testing. Allele origin: germline. Affected: yes.

PreventionGenetics, part of Exact Sciences
Classification: Likely benign for NKX2-1-related condition. Last evaluated: 2023-06-12. Review status: no assertion criteria provided. Collection method: clinical testing. Allele origin: germline. Not counted in ClinVar's aggregate classification.
Comment: This variant is classified as likely benign based on ACMG/AMP sequence variant interpretation guidelines (Richards et al. 2015 PMID: 25741868, with internal and published modifications).

NM_001079668.3(NKX2-1):c.796GGCGGGGGC[1] (p.Gly269_Gly271del)

Genes: NKX2-1 (NK2 homeobox 1; minus strand), SFTA3 (surfactant associated 3; minus strand). Cytogenetic location: 14q13.3.
Variant type: Microsatellite.
Coding change: c.796GGCGGGGGC[1] on transcript NM_001079668.3 (MANE Select); one copy of the 9-base unit GGCGGGGGC starting at c.796; the reference has two copies in a row; one copy, 9 bases deleted.
Protein change: p.Gly269_Gly271del.
Molecular consequence: inframe deletion.
Genome position (GRCh38, 1-based): chr14:36,517,671-36,517,679, GCCCCCGCC deleted on the plus strand (GGCGGGGGC on the coding strand, the reverse complement: NKX2-1 is on the minus strand); deleting any 9 consecutive bases within chr14:36,517,671-36,517,691 gives the same sequence; the position shown is the placement nearest the transcript's 3' end. VCF-style (leftmost placement, unchanged base first): chr14-36517670-TGCCCCCGCC-T. GRCh37 (hg19) VCF-style: chr14-36986875-TGCCCCCGCC-T.
Other names: c.706GGCGGGGGC[1], p.Gly239_Gly241del (NM_003317.4); c.805_813del9 (NM_001079668.2).
Identifiers: ClinVar variation 1144672 (VCV001144672.12), dbSNP rs577015120, ClinGen allele CA7158444.